The following is an entry in ClinVar:

ClinVar aggregate classification (germline): Uncertain significance (1 of 4 stars; one submission).

Conditions:
Inborn genetic diseases. Identifiers: MedGen C0950123, MeSH D030342.

Allele frequency attached by ClinVar (database versions not stated): ExAC 0.00006; gnomAD 0.00007; ESP Exome Variant Server 0.00010; TOPMed 0.00011; gnomAD exomes 0.00027.
gnomAD v4.1: 326 of 1,367,502 alleles (0.024%); highest among the groups gnomAD compares: Non-Finnish European, 0.031%; no homozygotes.

Submission:

Ambry Genetics
Classification: Uncertain significance for Inborn genetic diseases. Last evaluated: 2020-03-18. Review status: criteria provided, single submitter. Criteria: Ambry Variant Classification Scheme 2023. Collection method: clinical testing. Allele origin: germline.
Comment: The p.A86G variant (also known as c.257C>G), located in coding exon 3 of the DST gene, results from a C to G substitution at nucleotide position 257. The alanine at codon 86 is replaced by glycine, an amino acid with similar properties. This amino acid position is highly conserved in available vertebrate species. In addition, the in silico prediction for this alteration is inconclusive. Since supporting evidence is limited at this time, the clinical significance of this alteration remains unclear.

NM_001374736.1(DST):c.257C>G (p.Ala86Gly)

Gene: DST (dystonin; minus strand). Cytogenetic location: 6p12.1.
Variant type: single nucleotide variant.
Coding change: c.257C>G on transcript NM_001374736.1 (MANE Select); coding-DNA position 257, C replaced by G.
Protein change: p.Ala86Gly; replaces alanine 86 with glycine.
Molecular consequence: missense variant.
Genome position (GRCh38, 1-based): chr6:56,900,581, G>C on the plus strand (C>G on the coding strand, the complement: DST is on the minus strand). VCF-style: chr6-56900581-G-C. GRCh37 (hg19) VCF-style: chr6-56765379-G-C.
Other names: c.257C>G, p.Ala86Gly (NM_001144769.5, NM_001374722.1); c.284C>G, p.Ala95Gly (NM_001374734.1); short protein forms A95G, A86G.
Identifiers: ClinVar variation 1793350 (VCV001793350.2), dbSNP rs376122846, ClinGen allele CA3872021.
Genomic context (GRCh38, chr6:56,900,581, plus strand): 5'-CTCTGATGGTGAACTTCCACCACGGGCTTCACTTCTTCCAGACGGGCAGCTGCGGCCGCT[G>C]CAACTCGTCTTCTAAGATGCCGAGGGCTTGCTCTGAATCCCTGTGGCAGAAAACACAACC-3'
Protein context (NP_001361665.1, residues 76-96): ASPRHLRRRV[Ala86Gly]AAAAARLEEV